The following is an entry in ClinVar:

ClinVar aggregate classification (germline): Uncertain significance (1 of 4 stars; one submission).

Conditions:
Intellectual developmental disorder, autosomal dominant 45. Also called: MENTAL RETARDATION, AUTOSOMAL DOMINANT 45; Intellectual disability, autosomal dominant 45. Identifiers: MedGen C4539848, MONDO:0030910, OMIM 617600.

Submission:

Foundation for Research in Genetics and Endocrinology, FRIGE's Institute of Human Genetics
Classification: Uncertain significance for Intellectual developmental disorder, autosomal dominant 45. Last evaluated: 2023-01-17. Review status: criteria provided, single submitter. Criteria: ACMG Guidelines, 2015. Collection method: clinical testing. Allele origin: germline. Inheritance: Autosomal dominant inheritance. Affected: yes.
Comment: A heterozygous missense variation in exon 16 of the CIC gene that results in the amino acid substitution of Serine for Alanine at codon 2162 was detected. The p.Ala2162Ser variant has not been reported in the 1000 genomes database. The reference codon is conserved across species. In summary, the variant meets our criteria to be classified as variant of uncertain significance.

NM_001386298.1(CIC):c.6484G>T (p.Ala2162Ser)

Gene: CIC (capicua transcriptional repressor; plus strand). Cytogenetic location: 19q13.2.
Variant type: single nucleotide variant.
Coding change: c.6484G>T on transcript NM_001386298.1 (MANE Select); coding-DNA position 6484, G replaced by T.
Protein change: p.Ala2162Ser; replaces alanine 2162 with serine.
Molecular consequence: missense variant.
Genome position (GRCh38, 1-based): chr19:42,293,243, G>T. VCF-style: chr19-42293243-G-T. GRCh37 (hg19) VCF-style: chr19-42797395-G-T.
Other names: p.Ala2162Ser; c.6484G>T, p.Ala2162Ser (NM_001304815.2, NM_001379482.1, NM_001379483.1); c.6481G>T, p.Ala2161Ser (NM_001379480.1); c.3757G>T, p.Ala1253Ser (NM_001379484.1, NM_001379485.1, NM_015125.5); short protein forms A1253S, A2161S, A2162S.
Identifiers: ClinVar variation 2430190 (VCV002430190.2), dbSNP rs910167566, ClinGen allele CA406118312.
Genomic context (GRCh38, chr19:42,293,243, plus strand): 5'-CCACCCCTGCCAGAGACCTGGACTCCCACGGCCCGGAGCAGCCCCCCACTGCCCCCACCT[G>T]CTGAGGAGCGGACCAGCGCCAAGGGCCCTGAGACCATGGTGAGCGCCTGCAGGCCGTGGG-3'
Protein context (NP_001373227.1, residues 2152-2172): ARSSPPLPPP[Ala2162Ser]EERTSAKGPE